The following is an entry in ClinVar:

NM_001171613.2(PREPL):c.1519A>G (p.Thr507Ala)

Gene: PREPL (prolyl endopeptidase like; minus strand). Cytogenetic location: 2p21.
Variant type: single nucleotide variant.
Coding change: c.1519A>G on transcript NM_001171613.2 (MANE Select); coding-DNA position 1519, A replaced by G.
Protein change: p.Thr507Ala; replaces threonine 507 with alanine.
Molecular consequence: missense variant.
Genome position (GRCh38, 1-based): chr2:44,323,372, T>C on the plus strand (A>G on the coding strand, the complement: PREPL is on the minus strand). VCF-style: chr2-44323372-T-C. GRCh37 (hg19) VCF-style: chr2-44550511-T-C.
Other names: c.1600A>G, p.Thr534Ala (NM_001042385.2); c.1588A>G, p.Thr530Ala (NM_001042386.2); c.1786A>G, p.Thr596Ala (NM_001171603.1, NM_001171606.2, NM_001374275.1 and 2 more transcripts); c.1519A>G, p.Thr507Ala (NM_001171617.1, NM_001374277.1); short protein forms T507A, T530A, T596A, T534A.
Identifiers: ClinVar variation 2229618 (VCV002229618.2), dbSNP rs2466061094, ClinGen allele CA346688917.

ClinVar aggregate classification (germline): Uncertain significance (1 of 4 stars; one submission).

Conditions:
Inborn genetic diseases. Identifiers: MedGen C0950123, MeSH D030342.

Submission:

Ambry Genetics
Classification: Uncertain significance for Inborn genetic diseases. Last evaluated: 2021-03-09. Review status: criteria provided, single submitter. Criteria: Ambry Variant Classification Scheme 2023. Collection method: clinical testing. Allele origin: germline.
Comment: The c.1786A>G (p.T596A) alteration is located in exon 11 (coding exon 11) of the PREPL gene. This alteration results from a A to G substitution at nucleotide position 1786, causing the threonine (T) at amino acid position 596 to be replaced by an alanine (A). The p.T596A alteration is predicted to be tolerated by in silico analysis. Based on insufficient or conflicting evidence, the clinical significance of this alteration remains unclear.